The following is an entry in ClinVar:

ClinVar aggregate classification (germline): Uncertain significance. Review status: criteria provided, multiple submitters, no conflicts (2 of 4 stars). 7 submissions from 7 submitters: Uncertain significance (6). 1 of the submissions does not count toward it. Last evaluated 2021-10-25.

Conditions:
Xeroderma pigmentosum, group C (XPC). Also called: XPC-Related Xeroderma Pigmentosum; Xeroderma pigmentosum, complementation group C; XERODERMA PIGMENTOSUM III; XP, GROUP C. Identifiers: Orphanet 910, MedGen C2752147, MONDO:0010211, OMIM 278720.
Xeroderma pigmentosum (XP). Identifiers: Orphanet 910, MedGen C0043346, MONDO:0019600.

Allele frequency attached by ClinVar (database versions not stated): 1000 Genomes Project 30x 0.00016; 1000 Genomes Project 0.00020; ExAC 0.00032; gnomAD exomes 0.00035 and 0.00093; ESP Exome Variant Server 0.00050; TOPMed 0.00053; gnomAD 0.00057.
gnomAD v4.1: 1,490 of 1,612,958 alleles (0.092%); highest among the groups gnomAD compares: Non-Finnish European, 0.12%; 1 homozygote.

Submissions (7):

Mayo Clinic Laboratories, Mayo Clinic
Classification: Uncertain significance. Last evaluated: 2021-10-25. Review status: criteria provided, single submitter. Criteria: ACMG Guidelines, 2015. Collection method: clinical testing. Allele origin: germline.

Sema4
Classification: Uncertain significance for Xeroderma pigmentosum. Last evaluated: 2021-09-16. Review status: criteria provided, single submitter. Criteria: Sema4 Curation Guidelines. Collection method: curation. Allele origin: germline.
Comment: To the best of our knowledge, the XPC c.37G>C (p.G13R) variant has not been reported in individuals with XPC-related disease. This variant was observed in 95/126432 chromosomes in the European (non-Finnish) population, with no homozygotes, according to the Genome Aggregation Database (PMID: 32461654) and has been reported in ClinVar (Variation ID: 135466). In silico tools suggest the impact of the variant on protein function is benign, though these predictions have not been confirmed by functional studies. There is no indication that this variant causes disease, but the evidence is insufficient currently to prove that conclusively. Based on the current evidence available, this variant is interpreted as a variant of uncertain significance.

GeneDx
Classification: Uncertain significance. Last evaluated: 2021-04-02. Review status: criteria provided, single submitter. Criteria: GeneDx Variant Classification Process June 2021. Collection method: clinical testing. Allele origin: germline. Affected: yes.
Comment: In silico analysis supports that this missense variant has a deleterious effect on protein structure/function; Identified in healthy individuals undergoing whole genome sequencing (Bodian 2014); This variant is associated with the following publications: (PMID: 24728327)

Fulgent Genetics
Classification: Uncertain significance for Xeroderma pigmentosum, group C. Last evaluated: 2018-10-31. Review status: criteria provided, single submitter. Criteria: ACMG Guidelines, 2015. Collection method: clinical testing. Allele origin: unknown.

Baylor Genetics
Classification: Uncertain significance for Xeroderma pigmentosum, group C. Last evaluated: 2018-02-14. Review status: criteria provided, single submitter. Criteria: ACMG Guidelines, 2015. Collection method: clinical testing. Allele origin: unknown. Affected: yes.
Comment: This variant was determined to be of uncertain significance according to ACMG Guidelines, 2015 [PMID:25741868].

Illumina Laboratory Services, Illumina
Classification: Uncertain significance for Xeroderma pigmentosum, group C. Last evaluated: 2018-01-12. Review status: criteria provided, single submitter. Criteria: ICSL Variant Classification Criteria 13 December 2019. Collection method: clinical testing. Allele origin: germline.

ITMI
No classification provided. Condition: AllHighlyPenetrant. Last evaluated: 2013-09-19. Review status: no classification provided. Collection method: reference population. Allele origin: germline. Not counted in ClinVar's aggregate classification.
Comment: Please see associated publication for description of ethnicities

Literature cited by the submitters: PubMed 24728327 (cited by ITMI).

NM_004628.5(XPC):c.37G>C (p.Gly13Arg)

Genes: XPC (XPC complex subunit, DNA damage recognition and repair factor; minus strand), LOC129936244 (ATAC-STARR-seq lymphoblastoid active region 19500; plus strand). Cytogenetic location: 3p25.1.
Variant type: single nucleotide variant.
Coding change: c.37G>C on transcript NM_004628.5 (MANE Select); coding-DNA position 37, G replaced by C.
Protein change: p.Gly13Arg; replaces glycine 13 with arginine.
Molecular consequence: missense variant. On other transcripts: 5 prime UTR variant (1), non-coding transcript variant (2).
Genome position (GRCh38, 1-based): chr3:14,178,532, C>G on the plus strand (G>C on the coding strand, the complement: XPC is on the minus strand). VCF-style: chr3-14178532-C-G. GRCh37 (hg19) VCF-style: chr3-14220032-C-G.
Other names: p.Gly13Arg; c.-419G>C (NM_001354726.2); c.37G>C, p.Gly13Arg (NM_001354727.2, NM_001354729.2, NM_001354730.2); short protein forms G13R.
Identifiers: ClinVar variation 135466 (VCV000135466.14), dbSNP rs201273381, ClinGen allele CA162856.